The following is an entry in ClinVar:

NM_004177.5(STX3):c.520C>T (p.Pro174Ser)

Gene: STX3 (syntaxin 3; plus strand). Cytogenetic location: 11q12.1.
Variant type: single nucleotide variant.
Coding change: c.520C>T on transcript NM_004177.5 (MANE Select); coding-DNA position 520, C replaced by T.
Protein change: p.Pro174Ser; replaces proline 174 with serine.
Molecular consequence: missense variant.
Genome position (GRCh38, 1-based): chr11:59,793,152, C>T. VCF-style: chr11-59793152-C-T. GRCh37 (hg19) VCF-style: chr11-59560625-C-T.
Other names: c.520C>T, p.Pro174Ser (NM_001178040.3); short protein forms P174S.
Identifiers: ClinVar variation 1940776 (VCV001940776.5), dbSNP rs752064472, ClinGen allele CA6020906.

ClinVar aggregate classification (germline): Uncertain significance (1 of 4 stars; one submission).

Allele frequency attached by ClinVar (database versions not stated): gnomAD exomes below 0.00001; gnomAD 0.00001; TOPMed 0.00001; ExAC 0.00002.
gnomAD v4.1: 2 of 1,613,342 alleles (0.00012%); highest among the groups gnomAD compares: Admixed American, 0.0033%; no homozygotes.

Submission:

Labcorp Genetics (formerly Invitae), Labcorp
Classification: Uncertain significance. Last evaluated: 2022-04-23. Review status: criteria provided, single submitter. Criteria: Invitae Variant Classification Sherloc (09022015). Collection method: clinical testing. Allele origin: germline.
Comment: In summary, the available evidence is currently insufficient to determine the role of this variant in disease. Therefore, it has been classified as a Variant of Uncertain Significance. This sequence change replaces proline, which is neutral and non-polar, with serine, which is neutral and polar, at codon 174 of the STX3 protein (p.Pro174Ser). The frequency data for this variant in the population databases is considered unreliable, as metrics indicate poor data quality at this position in the gnomAD database. This variant has not been reported in the literature in individuals affected with STX3-related conditions. Algorithms developed to predict the effect of missense changes on protein structure and function output the following: SIFT: "Tolerated"; PolyPhen-2: "Benign"; Align-GVGD: "Class C0". The serine amino acid residue is found in multiple mammalian species, which suggests that this missense change does not adversely affect protein function.